The following is an entry in ClinVar:

NM_003612.5(SEMA7A):c.526G>A (p.Glu176Lys)

Gene: SEMA7A (semaphorin 7A (JohnMiltonHagen blood group); minus strand). Cytogenetic location: 15q24.1.
Variant type: single nucleotide variant.
Coding change: c.526G>A on transcript NM_003612.5 (MANE Select); coding-DNA position 526, G replaced by A.
Protein change: p.Glu176Lys; replaces glutamic acid 176 with lysine.
Molecular consequence: missense variant.
Genome position (GRCh38, 1-based): chr15:74,417,615, C>T on the plus strand (G>A on the coding strand, the complement: SEMA7A is on the minus strand). VCF-style: chr15-74417615-C-T. GRCh37 (hg19) VCF-style: chr15-74709956-C-T.
Other names: c.526G>A (NM_003612.4); c.484G>A, p.Glu162Lys (NM_001146029.3); c.31G>A, p.Glu11Lys (NM_001146030.3); short protein forms E11K, E176K, E162K.
Identifiers: ClinVar variation 4582309 (VCV004582309.2).

ClinVar aggregate classification (germline): Uncertain significance. Review status: criteria provided, multiple submitters, no conflicts (2 of 4 stars). 2 submissions from 2 submitters: Uncertain significance (2). Last evaluated 2026-05-11.

Conditions:
SEMA7A-related disorder. Also called: SEMA7A-related condition.

gnomAD v4.1: 16 of 1,612,754 alleles (0.00099%); highest among the groups gnomAD compares: South Asian, 0.0077%; no homozygotes.

Submissions (2):

PreventionGenetics, part of Exact Sciences
Classification: Uncertain significance for SEMA7A-related condition. Last evaluated: 2026-05-11. Review status: criteria provided, single submitter. Criteria: ACMG Guidelines, 2015. Collection method: clinical testing. Allele origin: germline.
Comment: The SEMA7A c.526G>A variant is predicted to result in the amino acid substitution p.Glu176Lys. To our knowledge, this variant has not been reported in the literature. This variant is reported in 0.0065% of alleles in individuals of South Asian descent in gnomAD. At this time, the clinical significance of this variant is uncertain due to the absence of conclusive functional and genetic evidence.

Ambry Genetics
Classification: Uncertain significance. Last evaluated: 2025-09-25. Review status: criteria provided, single submitter. Criteria: Ambry Variant Classification Scheme 2023. Collection method: clinical testing. Allele origin: germline.